The following is an entry in ClinVar:

ClinVar aggregate classification (germline): Pathogenic/Likely pathogenic. Review status: criteria provided, multiple submitters, no conflicts (2 of 4 stars). 6 submissions from 6 submitters: Pathogenic (4); Likely pathogenic (1). 1 of the submissions does not count toward it. Last evaluated 2025-12-17.

Conditions:
ARSA-related disorder. Also called: ARSA-related condition.
Metachromatic leukodystrophy (MLD). Also called: Cerebral sclerosis diffuse metachromatic form; ARSA DEFICIENCY; CEREBROSIDE SULFATASE DEFICIENCY; METACHROMATIC LEUKOENCEPHALOPATHY; SULFATIDE LIPIDOSIS; Arylsulfatase A Deficiency. Identifiers: Orphanet 512, MedGen C0023522, MONDO:0018868, OMIM 250100.

Allele frequency attached by ClinVar (database versions not stated): gnomAD 0.00001.

Submissions (6):

3billion
Classification: Pathogenic for Metachromatic leukodystrophy. Last evaluated: 2025-12-17. Review status: criteria provided, single submitter. Criteria: ACMG Guidelines, 2015. Collection method: clinical testing. Allele origin: germline. Affected: yes.
Comment: The variant is observed at an extremely low frequency in the gnomAD v4.1.0 dataset (total allele frequency: <0.001%). Predicted Consequence/Location: Stop-gained (nonsense): predicted to result in a loss or disruption of normal protein function through nonsense-mediated decay (NMD) or protein truncation. Multiple pathogenic variants are reported downstream of the variant. The variant has been reported at least twice as pathogenic with clinical assertions and evidence for the classification (ClinVar ID: VCV000840281 /3billion dataset). Therefore, this variant is classified as Pathogenic according to the recommendation of ACMG/AMP guideline.

Natera, Inc.
Classification: Pathogenic for Metachromatic leukodystrophy. Last evaluated: 2025-11-27. Review status: criteria provided, single submitter. Criteria: Natera Variant Classification Schema (03/2026). Collection method: clinical testing. Allele origin: germline.
Comment: The c.433C>T variant in ARSA is a nonsense variant predicted to introduce a stop codon at amino acid 145. This variant is expected to result in nonsense mediated decay, truncation, or a dysfunctional protein product. This variant is rare in the general population with a frequency below the threshold expected for the associated phenotype(s). This variant has been observed in one or more individuals affected with the associated recessive disease, as either homozygous or compound heterozygous with a second variant (PMID: 38837156). Given the available evidence, this variant is classified as Pathogenic.

Labcorp Genetics (formerly Invitae), Labcorp
Classification: Pathogenic for Metachromatic leukodystrophy. Last evaluated: 2024-01-28. Review status: criteria provided, single submitter. Criteria: Invitae Variant Classification Sherloc (09022015). Collection method: clinical testing. Allele origin: germline.
Comment: This sequence change creates a premature translational stop signal (p.Arg145*) in the ARSA gene. It is expected to result in an absent or disrupted protein product. Loss-of-function variants in ARSA are known to be pathogenic (PMID: 8962139, 10477432). This variant is not present in population databases (gnomAD no frequency). This variant has not been reported in the literature in individuals affected with ARSA-related conditions. ClinVar contains an entry for this variant (Variation ID: 840281). Algorithms developed to predict the effect of sequence changes on RNA splicing suggest that this variant may disrupt the consensus splice site. For these reasons, this variant has been classified as Pathogenic.

Fulgent Genetics
Classification: Likely pathogenic for Metachromatic leukodystrophy. Last evaluated: 2024-01-19. Review status: criteria provided, single submitter. Criteria: ACMG Guidelines, 2015. Collection method: clinical testing. Allele origin: germline.

Foundation for Research in Genetics and Endocrinology, FRIGE's Institute of Human Genetics
Classification: Pathogenic for Metachromatic leukodystrophy. Review status: criteria provided, single submitter. Criteria: ACMG Guidelines, 2015. Collection method: clinical testing. Allele origin: germline. Inheritance: Autosomal recessive inheritance. Affected: yes. Observed: 1 heterozygote.
Comment: A Heterozygous nonsense variation in exon 3 of the ARSA gene that results in stop codon and premature truncation of the protein at codon 145. The observed variant c.433C>T(p.Arg145Ter)) has not been reported in the 1000 genomes and gnomAD databases. The in silico prediction of the variant are possibly damaging by MutationTaster2. The reference codon is conserved across species. In summary, the variant meets our criteria to be classified as pathogenic.

PreventionGenetics, part of Exact Sciences
Classification: Likely pathogenic for ARSA-related condition. Last evaluated: 2023-11-07. Review status: no assertion criteria provided. Collection method: clinical testing. Allele origin: germline. Not counted in ClinVar's aggregate classification.
Comment: The ARSA c.433C>T variant is predicted to result in premature protein termination (p.Arg145*). To our knowledge, this variant has not been reported in the literature or in a large population database, indicating this variant is rare. Nonsense variants in ARSA are expected to be pathogenic. This variant is interpreted as likely pathogenic.

Literature cited by the submitters: PubMed 38837156 (cited by Natera, Inc.); PubMed 8962139 (cited by Labcorp Genetics (formerly Invitae), Labcorp); PubMed 10477432 (cited by Labcorp Genetics (formerly Invitae), Labcorp).

NM_000487.6(ARSA):c.433C>T (p.Arg145Ter)

Gene: ARSA (arylsulfatase A; minus strand). Cytogenetic location: 22q13.33.
Variant type: single nucleotide variant.
Coding change: c.433C>T on transcript NM_000487.6 (MANE Select); coding-DNA position 433, C replaced by T.
Protein change: p.Arg145Ter; replaces arginine 145 with a stop codon.
Molecular consequence: nonsense.
Genome position (GRCh38, 1-based): chr22:50,627,198, G>A on the plus strand (C>T on the coding strand, the complement: ARSA is on the minus strand). VCF-style: chr22-50627198-G-A. GRCh37 (hg19) VCF-style: chr22-51065626-G-A.
Other names: p.Arg145Ter; c.433C>T, p.Arg145Ter (NM_001085425.3, NM_001085426.3, NM_001085427.3); c.175C>T, p.Arg59Ter (NM_001085428.3, NM_001362782.2); short protein forms R59*, R145*.
Identifiers: ClinVar variation 840281 (VCV000840281.16), dbSNP rs199476373, ClinGen allele CA412180174.